The following is an entry in ClinVar:

ClinVar aggregate classification (germline): Conflicting classifications of pathogenicity. Review status: criteria provided, conflicting classifications (1 of 4 stars). 3 submissions from 3 submitters: Uncertain significance (2); Likely benign (1). Last evaluated 2025-11-21.

Conditions:
BAP1-related tumor predisposition syndrome (TPDS1). Also called: Tumor susceptibility linked to germline BAP1 mutations; BAP1 tumor predisposition syndrome; COMMON Syndrome; TUMOR PREDISPOSITION SYNDROME 1. Identifiers: Orphanet 289539, MedGen C3280492, MONDO:0013692, OMIM 614327.
Hereditary cancer-predisposing syndrome. Also called: Neoplastic Syndromes, Hereditary; Tumor predisposition; Hereditary Cancer Syndrome; Hereditary neoplastic syndrome. Identifiers: Orphanet 140162, MedGen C0027672, MeSH D009386, MONDO:0015356.

Allele frequency attached by ClinVar (database versions not stated): ExAC 0.00001; gnomAD 0.00001; gnomAD exomes 0.00001; TOPMed 0.00001.
gnomAD v4.1: 16 of 1,613,886 alleles (0.00099%); highest among the groups gnomAD compares: Admixed American, 0.005%; no homozygotes.

Submissions (3):

Ambry Genetics
Classification: Likely benign for Hereditary cancer-predisposing syndrome. Last evaluated: 2025-11-21. Review status: criteria provided, single submitter. Criteria: Ambry Variant Classification Scheme 2023. Collection method: clinical testing. Allele origin: germline.

Labcorp Genetics (formerly Invitae), Labcorp
Classification: Uncertain significance for BAP1-related tumor predisposition syndrome. Last evaluated: 2025-11-05. Review status: criteria provided, single submitter. Criteria: Invitae Variant Classification Sherloc (09022015). Collection method: clinical testing. Allele origin: germline.
Comment: This sequence change replaces arginine, which is basic and polar, with histidine, which is basic and polar, at codon 548 of the BAP1 protein (p.Arg548His). This variant is present in population databases (rs779877855, gnomAD 0.006%). This missense change has been observed in individual(s) with malignant melanoma (PMID: 28062663). ClinVar contains an entry for this variant (Variation ID: 485260). Invitae Evidence Modeling of protein sequence and biophysical properties (such as structural, functional, and spatial information, amino acid conservation, physicochemical variation, residue mobility, and thermodynamic stability) indicates that this missense variant is not expected to disrupt BAP1 protein function with a negative predictive value of 80%. Experimental studies have shown that this missense change does not substantially affect BAP1 function (PMID: 28062663). In summary, the available evidence is currently insufficient to determine the role of this variant in disease. Therefore, it has been classified as a Variant of Uncertain Significance.

Color Diagnostics, LLC DBA Color Health
Classification: Uncertain significance for Hereditary cancer-predisposing syndrome. Last evaluated: 2024-07-23. Review status: criteria provided, single submitter. Criteria: ACMG Guidelines, 2015. Collection method: clinical testing. Allele origin: germline.
Comment: This missense variant replaces arginine with histidine at codon 548 of the BAP1 protein. Computational prediction suggests that this variant may not impact protein structure and function. To our knowledge, functional studies have not been performed for this variant. This variant has been reported in an individual affected with melanoma (PMID: 28062663). This variant has been identified in 3/251088 chromosomes in the general population by the Genome Aggregation Database (gnomAD). The available evidence is insufficient to determine the role of this variant in disease conclusively. Therefore, this variant is classified as a Variant of Uncertain Significance.

Literature cited by the submitters: PubMed 28062663 (cited by 3 submitters); PubMed 38969833 (cited by Ambry Genetics).

NM_004656.4(BAP1):c.1643G>A (p.Arg548His)

Gene: BAP1 (BRCA1 associated deubiquitinase 1; minus strand). Cytogenetic location: 3p21.1.
Variant type: single nucleotide variant.
Coding change: c.1643G>A on transcript NM_004656.4 (MANE Select); coding-DNA position 1643, G replaced by A.
Protein change: p.Arg548His; replaces arginine 548 with histidine.
Molecular consequence: missense variant.
Genome position (GRCh38, 1-based): chr3:52,403,502, C>T on the plus strand (G>A on the coding strand, the complement: BAP1 is on the minus strand). VCF-style: chr3-52403502-C-T. GRCh37 (hg19) VCF-style: chr3-52437518-C-T.
Other names: c.1643G>A (LRG_529t1); short protein forms R548H.
Identifiers: ClinVar variation 485260 (VCV000485260.22), dbSNP rs779877855, ClinGen allele CA2436764.
Genomic context (GRCh38, chr3:52,403,502, plus strand): 5'-CCATCCTCAGCCAGGTGCAGCAGGCCTGTGCTGATGACAGGACCCAGATCACGGACAGCA[C>T]GGTTGTAGCGTATGCAGTCAACACGCAGCAGGCTGTCATCCTCTCCAAAAAGCACCTTGG-3'
Protein context (NP_004647.1, residues 538-558): LLRVDCIRYN[Arg548His]AVRDLGPVIS